The following is an entry in ClinVar:

NM_022765.4(MICAL1):c.-18C>A

Gene: MICAL1 (microtubule associated monooxygenase, calponin and LIM domain containing 1; minus strand). Cytogenetic location: 6q21.
Variant type: single nucleotide variant.
Coding change: c.-18C>A on transcript NM_022765.4 (MANE Select); 18 bases upstream of the start codon, C replaced by A.
Molecular consequence: 5 prime UTR variant. On other transcripts: missense variant (1).
Genome position (GRCh38, 1-based): chr6:109,454,214, G>T on the plus strand (C>A on the coding strand, the complement: MICAL1 is on the minus strand). VCF-style: chr6-109454214-G-T. GRCh37 (hg19) VCF-style: chr6-109775417-G-T.
Other names: c.-18C>A (NM_001159291.2); c.40C>A, p.Pro14Thr (NM_001286613.2); short protein forms P14T.
Identifiers: ClinVar variation 2191682 (VCV002191682.4), dbSNP rs1775659316, ClinGen allele CA365234706.
Genomic context (GRCh38, chr6:109,454,214, plus strand): 5'-CAAAGTGGGCATGCGCTGGGTTGGTGGAGGTAGGTGAAGCCATGGAGGCCTCCTGGGGAG[G>T]GCAGCAGCTGGGCAGAGATGAGTGGCTGGAGAGGTGGAAAAAGAAGGGGAAGAGGCTGGA-3'

ClinVar aggregate classification (germline): Uncertain significance (1 of 4 stars; one submission).

Allele frequency attached by ClinVar (database versions not stated): TOPMed 0.00001.

Submission:

Labcorp Genetics (formerly Invitae), Labcorp
Classification: Uncertain significance. Last evaluated: 2022-07-04. Review status: criteria provided, single submitter. Criteria: Invitae Variant Classification Sherloc (09022015). Collection method: clinical testing. Allele origin: germline.
Comment: This sequence change replaces proline, which is neutral and non-polar, with threonine, which is neutral and polar, at codon 14 of the MICAL1 protein (p.Pro14Thr). This variant is not present in population databases (gnomAD no frequency). This variant has not been reported in the literature in individuals affected with MICAL1-related conditions. Algorithms developed to predict the effect of missense changes on protein structure and function are either unavailable or do not agree on the potential impact of this missense change (SIFT: "Deleterious"; PolyPhen-2: "Not Available"; Align-GVGD: "Class C0"). In summary, the available evidence is currently insufficient to determine the role of this variant in disease. Therefore, it has been classified as a Variant of Uncertain Significance.